The following is an entry in ClinVar:

ClinVar aggregate classification (germline): Uncertain significance (1 of 4 stars; one submission).

Allele frequency attached by ClinVar (database versions not stated): gnomAD exomes 0.00001 and 0.00002; ExAC 0.00002; gnomAD 0.00002 and 0.00003; TOPMed 0.00002; ESP Exome Variant Server 0.00008.
gnomAD v4.1: 24 of 1,613,798 alleles (0.0015%); highest among the groups gnomAD compares: African/African-American, 0.0067%; no homozygotes.

Submission:

Labcorp Genetics (formerly Invitae), Labcorp
Classification: Uncertain significance. Last evaluated: 2022-09-10. Review status: criteria provided, single submitter. Criteria: Invitae Variant Classification Sherloc (09022015). Collection method: clinical testing. Allele origin: germline.
Comment: This sequence change falls in intron 5 of the ADAMTS18 gene. It does not directly change the encoded amino acid sequence of the ADAMTS18 protein. It affects a nucleotide within the consensus splice site. This variant is present in population databases (rs374603757, gnomAD 0.007%). This variant has not been reported in the literature in individuals affected with ADAMTS18-related conditions. ClinVar contains an entry for this variant (Variation ID: 1479358). Variants that disrupt the consensus splice site are a relatively common cause of aberrant splicing (PMID: 17576681, 9536098). Algorithms developed to predict the effect of sequence changes on RNA splicing suggest that this variant is not likely to affect RNA splicing. In summary, the available evidence is currently insufficient to determine the role of this variant in disease. Therefore, it has been classified as a Variant of Uncertain Significance.

Literature cited by the submitters: PubMed 17576681; PubMed 9536098.

NM_199355.4(ADAMTS18):c.972+6C>T

Gene: ADAMTS18 (ADAM metallopeptidase with thrombospondin type 1 motif 18; minus strand). Cytogenetic location: 16q23.1.
Variant type: single nucleotide variant.
Coding change: c.972+6C>T on transcript NM_199355.4 (MANE Select); 6 bases into the intron after coding-DNA position 972, C replaced by T.
Molecular consequence: intron variant.
Genome position (GRCh38, 1-based): chr16:77,364,182, G>A on the plus strand (C>T on the coding strand, the complement: ADAMTS18 is on the minus strand). VCF-style: chr16-77364182-G-A. GRCh37 (hg19) VCF-style: chr16-77398079-G-A.
Other names: c.456+6C>T (NM_001326358.2).
Identifiers: ClinVar variation 1479358 (VCV001479358.3), dbSNP rs374603757, ClinGen allele CA8181503.